The following is an entry in ClinVar:

NM_032603.5(LOXL3):c.917G>A (p.Arg306His)

Gene: LOXL3 (lysyl oxidase like 3; minus strand). Cytogenetic location: 2p13.1.
Variant type: single nucleotide variant.
Coding change: c.917G>A on transcript NM_032603.5 (MANE Select); coding-DNA position 917, G replaced by A.
Protein change: p.Arg306His; replaces arginine 306 with histidine.
Molecular consequence: missense variant. On other transcripts: 5 prime UTR variant (1).
Genome position (GRCh38, 1-based): chr2:74,536,467, C>T on the plus strand (G>A on the coding strand, the complement: LOXL3 is on the minus strand). VCF-style: chr2-74536467-C-T. GRCh37 (hg19) VCF-style: chr2-74763594-C-T.
Other names: c.482G>A, p.Arg161His (NM_001289164.3); c.-167G>A (NM_001289165.2); c.917G>A (NM_032603.4); short protein forms R161H, R306H.
Identifiers: ClinVar variation 771333 (VCV000771333.14), dbSNP rs190924518, ClinGen allele CA1729031.

ClinVar aggregate classification (germline): Benign/Likely benign. Review status: criteria provided, multiple submitters, no conflicts (2 of 4 stars). 4 submissions from 4 submitters: Benign (2); Likely benign (1). 1 of the submissions does not count toward it. Last evaluated 2026-06-03.

Conditions:
LOXL3-related disorder. Also called: LOXL3-related condition.

Allele frequency attached by ClinVar (database versions not stated): ESP Exome Variant Server 0.00031; gnomAD 0.00067; ExAC 0.00268; TOPMed 0.00305; 1000 Genomes Project 0.00399; 1000 Genomes Project 30x 0.00453.

Submissions (4):

Women's Health and Genetics/Laboratory Corporation of America, LabCorp
Classification: Likely benign. Last evaluated: 2026-06-03. Review status: criteria provided, single submitter. Criteria: LabCorp Variant Classification Summary - May 2015. Collection method: clinical testing. Allele origin: germline.
Comment: Variant summary: LOXL3 c.917G>A (p.Arg306His) results in a non-conservative amino acid change in the encoded protein sequence. Algorithms developed to predict the effect of missense changes on protein structure and function are either unavailable or do not agree on the potential impact of this missense change. The variant allele was found at a frequency of 0.0031 in 247226 control chromosomes, predominantly at a frequency of 0.021 within the Latino subpopulation in the gnomAD database, including 13 homozygotes. The observed variant frequency within Latino control individuals in the gnomAD database exceeds the estimated maximal expected allele frequency for disease-causing variants in LOXL3. To our knowledge, no occurrence of c.917G>A in individuals affected with LOXL3-related conditions and no experimental evidence demonstrating its impact on protein function have been reported. ClinVar contains an entry for this variant (Variation ID: 771333). Based on the evidence outlined above, the variant was classified as likely benign.

Labcorp Genetics (formerly Invitae), Labcorp
Classification: Benign. Last evaluated: 2026-02-02. Review status: criteria provided, single submitter. Criteria: Invitae Variant Classification Sherloc (09022015). Collection method: clinical testing. Allele origin: germline.

Breakthrough Genomics
Classification: Benign. Review status: criteria provided, single submitter. Criteria: ACMG Guidelines, 2015. Collection method: not provided. Allele origin: germline. Inheritance: Autosomal recessive inheritance. Affected: yes.

PreventionGenetics, part of Exact Sciences
Classification: Benign for LOXL3-related condition. Last evaluated: 2019-04-08. Review status: no assertion criteria provided. Collection method: clinical testing. Allele origin: germline. Not counted in ClinVar's aggregate classification.
Comment: This variant is classified as benign based on ACMG/AMP sequence variant interpretation guidelines (Richards et al. 2015 PMID: 25741868, with internal and published modifications).